The following is an entry in ClinVar:

NM_001379081.2(FREM1):c.6257A>G (p.Tyr2086Cys)

Gene: FREM1 (FRAS1 related extracellular matrix 1; minus strand). Cytogenetic location: 9p22.3.
Variant type: single nucleotide variant.
Coding change: c.6257A>G on transcript NM_001379081.2 (MANE Select); coding-DNA position 6257, A replaced by G.
Protein change: p.Tyr2086Cys; replaces tyrosine 2086 with cysteine.
Molecular consequence: missense variant. On other transcripts: non-coding transcript variant (3).
Genome position (GRCh38, 1-based): chr9:14,740,232, T>C on the plus strand (A>G on the coding strand, the complement: FREM1 is on the minus strand). VCF-style: chr9-14740232-T-C. GRCh37 (hg19) VCF-style: chr9-14740230-T-C.
Other names: c.1865A>G, p.Tyr622Cys (NM_001177704.3, NM_001370061.2); c.1599A>G, p.Ile533Met (NM_001370058.2); c.6257A>G, p.Tyr2086Cys (NM_144966.7); short protein forms Y2086C, Y622C, I533M.
Identifiers: ClinVar variation 2392130 (VCV002392130.4), dbSNP rs750323260, ClinGen allele CA4989464.
Genomic context (GRCh38, chr9:14,740,232, plus strand): 5'-CCAATGTCCCAGAGCCACCGCATGTGCTGCCTGGAGAATACAGTTACAAGGTTGCCCAGG[T>C]ATCTAAATGCAAATGAAAATGAGAGTATCAGCAACAAGCAGTTAACATTTCTGCTGATAC-3'
Protein context (NP_001366010.1, residues 2076-2096): NAAAQACREQ[Tyr2086Cys]LGNLVTVFSR

ClinVar aggregate classification (germline): Uncertain significance. Review status: criteria provided, multiple submitters, no conflicts (2 of 4 stars). 2 submissions from 2 submitters: Uncertain significance (2). Last evaluated 2025-10-01.

Conditions:
Inborn genetic diseases. Identifiers: MedGen C0950123, MeSH D030342.

Allele frequency attached by ClinVar (database versions not stated): TOPMed 0.00002; ExAC 0.00002; gnomAD exomes below 0.00001.
gnomAD v4.1: 5 of 1,610,780 alleles (0.00031%); highest among the groups gnomAD compares: Admixed American, 0.0083%; no homozygotes.

Submissions (2):

Labcorp Genetics (formerly Invitae), Labcorp
Classification: Uncertain significance. Last evaluated: 2025-10-01. Review status: criteria provided, single submitter. Criteria: Invitae Variant Classification Sherloc (09022015). Collection method: clinical testing. Allele origin: germline.
Comment: This sequence change replaces tyrosine, which is neutral and polar, with cysteine, which is neutral and slightly polar, at codon 2086 of the FREM1 protein (p.Tyr2086Cys). This variant is present in population databases (rs750323260, gnomAD 0.02%). This variant has not been reported in the literature in individuals affected with FREM1-related conditions. ClinVar contains an entry for this variant (Variation ID: 2392130). An algorithm developed to predict the effect of missense changes on protein structure and function (PolyPhen-2) suggests that this variant is likely to be disruptive. In summary, the available evidence is currently insufficient to determine the role of this variant in disease. Therefore, it has been classified as a Variant of Uncertain Significance.

Ambry Genetics
Classification: Uncertain significance for Inborn genetic diseases. Last evaluated: 2021-10-26. Review status: criteria provided, single submitter. Criteria: Ambry Variant Classification Scheme 2023. Collection method: clinical testing. Allele origin: germline.